The following is an entry in ClinVar:

NM_000512.5(GALNS):c.1171A>G (p.Met391Val)

Gene: GALNS (galactosamine (N-acetyl)-6-sulfatase; minus strand). Cytogenetic location: 16q24.3.
Variant type: single nucleotide variant.
Coding change: c.1171A>G on transcript NM_000512.5 (MANE Select); coding-DNA position 1171, A replaced by G.
Protein change: p.Met391Val; replaces methionine 391 with valine.
Molecular consequence: missense variant.
Genome position (GRCh38, 1-based): chr16:88,824,838, T>C on the plus strand (A>G on the coding strand, the complement: GALNS is on the minus strand). VCF-style: chr16-88824838-T-C. GRCh37 (hg19) VCF-style: chr16-88891246-T-C.
Other names: c.616A>G, p.Met206Val (NM_001323543.2); c.1189A>G, p.Met397Val (NM_001323544.2); short protein forms M391V, M397V, M206V.
Identifiers: ClinVar variation 93162 (VCV000093162.23), dbSNP rs398123429, ClinGen allele CA221041.
Genomic context (GRCh38, chr16:88,824,838, plus strand): 5'-TCTCCCAGGAGTTGGTCCAGGTCCAGAAGTGAGCCTTGTGCTGCCCGAGGGTGGCCGCCA[T>C]CAGCGTGTCGCCACGGTAATAGAAGATAGGCCTGTGGGATGGGAGGGGAGGACCATGTAA-3'
Protein context (NP_000503.1, residues 381-401): PIFYYRGDTL[Met391Val]AATLGQHKAH

ClinVar aggregate classification (germline): Pathogenic. Review status: criteria provided, multiple submitters, no conflicts (2 of 4 stars). 8 submissions from 8 submitters: Pathogenic (8). Last evaluated 2026-01-24.

Conditions:
GALNS-related disorder. Also called: GALNS-related condition.
GALNS-related disorders.
Morquio syndrome. Also called: Mucopolysaccharidosis, Type IV; MPS IV; Mucopolysaccharidosis type 4; Eccentrochondrodysplasia. Identifiers: Orphanet 582, MedGen C0026707, MONDO:0018938.
Mucopolysaccharidosis, MPS-IV-A (MPS4A). Also called: MPS IVA; Mucopolysaccharidosis Type IVA; Morquio syndrome A, mild; MORQUIO A DISEASE; mucopolysaccharidosis type 4A; Mucopolysaccharidosis type IV A. Identifiers: Orphanet 309297, Orphanet 582, MedGen C0086651, MONDO:0009659, OMIM 253000.

Allele frequency attached by ClinVar (database versions not stated): TOPMed 0.00001; gnomAD exomes 0.00001; ExAC 0.00001; gnomAD 0.00002.
gnomAD v4.1: 21 of 1,613,224 alleles (0.0013%); highest among the groups gnomAD compares: Non-Finnish European, 0.0017%; no homozygotes.

Submissions (8):

Labcorp Genetics (formerly Invitae), Labcorp
Classification: Pathogenic for Mucopolysaccharidosis, MPS-IV-A. Last evaluated: 2026-01-24. Review status: criteria provided, single submitter. Criteria: Invitae Variant Classification Sherloc (09022015). Collection method: clinical testing. Allele origin: germline.
Comment: This sequence change replaces methionine, which is neutral and non-polar, with valine, which is neutral and non-polar, at codon 391 of the GALNS protein (p.Met391Val). This variant is present in population databases (rs398123429, gnomAD 0.002%). This missense change has been observed in individual(s) with mucopolysaccharidosis IVA (PMID: 7668283, 9375852, 25137622). ClinVar contains an entry for this variant (Variation ID: 93162). Invitae Evidence Modeling of protein sequence and biophysical properties (such as structural, functional, and spatial information, amino acid conservation, physicochemical variation, residue mobility, and thermodynamic stability) indicates that this missense variant is expected to disrupt GALNS protein function with a positive predictive value of 95%. Experimental studies have shown that this missense change affects GALNS function (PMID: 9375852). For these reasons, this variant has been classified as Pathogenic.

PreventionGenetics, part of Exact Sciences
Classification: Pathogenic for GALNS-related condition. Last evaluated: 2024-11-21. Review status: criteria provided, single submitter. Criteria: ACMG Guidelines, 2015. Collection method: clinical testing. Allele origin: germline.
Comment: The GALNS c.1171A>G variant is predicted to result in the amino acid substitution p.Met391Val. This variant has been identified in both the homozygous state and compound heterozygous states in patients with MPS IVA (see for example Tomatsu et al. 1997. PubMed ID: 9375852; Dũng et al. 2013. PubMed ID: 23876334; Morrone et al. 2014. PubMed ID: 24726177). Results obtained from structural studies and in- silico analysis indicated that this variant may alter the structure of the protein (Rivera-Colón et al. 2012. PubMed ID: 22940367). Based on the available evidence, we classify this variant as pathogenic.

Fulgent Genetics
Classification: Pathogenic for Mucopolysaccharidosis, MPS-IV-A. Last evaluated: 2024-06-15. Review status: criteria provided, single submitter. Criteria: ACMG Guidelines, 2015. Collection method: clinical testing. Allele origin: germline.

Blueprint Genetics
Classification: Pathogenic for GALNS-related disorders. Last evaluated: 2024-04-23. Review status: criteria provided, single submitter. Criteria: ACMG Guidelines, 2015. Collection method: clinical testing. Allele origin: germline. Affected: yes. Observed: 5 variant alleles.

Genome-Nilou Lab
Classification: Pathogenic for Mucopolysaccharidosis, MPS-IV-A. Last evaluated: 2021-11-07. Review status: criteria provided, single submitter. Criteria: ACMG Guidelines, 2015. Collection method: clinical testing. Allele origin: germline. Affected: no.

Laboratory of Diagnosis and Therapy of Lysosomal Disorders, University of Padova
Classification: Pathogenic for Mucopolysaccharidosis, MPS-IV-A. Last evaluated: 2021-02-01. Review status: criteria provided, single submitter. Criteria: ACMG Guidelines, 2015. Collection method: research. Allele origin: germline. Affected: yes.
Comment: In vitro and in vivo functional studies supportive of a damaging effect on the gene product (low to null in vitro enzymatic activity; low to null enzymatic activity in homozygotes; PS3_strong); the prevalence of the variant in affected individuals is significantly increased compared with the prevalence in controls (PS4_strong); very low frequency in gnomAD v2.1.1 (PM2_moderate)

Women's Health and Genetics/Laboratory Corporation of America, LabCorp
Classification: Pathogenic for Morquio syndrome. Last evaluated: 2020-06-15. Review status: criteria provided, single submitter. Criteria: LabCorp Variant Classification Summary - May 2015. Collection method: clinical testing. Allele origin: germline.
Comment: Variant summary: GALNS c.1171A>G (p.Met391Val) results in a conservative amino acid change in the encoded protein sequence. Four of five in-silico tools predict a benign effect of the variant on protein function. The variant allele was found at a frequency of 8e-06 in 249748 control chromosomes. c.1171A>G has been reported in the literature in multiple individuals affected with Mucopolysaccharidosis Type IVA (Morquio Syndrome A) (example, Tomatsu_1995, Morrone_2014, Dung_2014). These data indicate that the variant is very likely to be associated with disease. At least one publication reports experimental evidence evaluating an impact on protein function. The most pronounced variant effect results in <10% of normal activity in a transient expression system (Tomatsu_1995). No clinical diagnostic laboratories have submitted clinical-significance assessments for this variant to ClinVar after 2014 although one submitter has classified the variant as pathogenic before 2014. Based on the evidence outlined above, the variant was classified as pathogenic.

Eurofins Ntd Llc (ga)
Classification: Pathogenic. Last evaluated: 2013-06-13. Review status: criteria provided, single submitter. Criteria: EGL Classification Definitions. Collection method: clinical testing. Allele origin: germline. Observed: 13 variant alleles, 11 heterozygotes, 2 homozygotes.

Literature cited by the submitters: PubMed 7668283 (cited by Labcorp Genetics (formerly Invitae), Labcorp and Women's Health and Genetics/Laboratory Corporation of America, LabCorp); PubMed 9375852 (cited by Labcorp Genetics (formerly Invitae), Labcorp); PubMed 25137622 (cited by Labcorp Genetics (formerly Invitae), Labcorp); PubMed 15235041 (cited by Laboratory of Diagnosis and Therapy of Lysosomal Disorders, University of Padova); PubMed 16287098 (cited by Laboratory of Diagnosis and Therapy of Lysosomal Disorders, University of Padova); PubMed 23876334 (cited by Laboratory of Diagnosis and Therapy of Lysosomal Disorders, University of Padova and Women's Health and Genetics/Laboratory Corporation of America, LabCorp); PubMed 24726177 (cited by Laboratory of Diagnosis and Therapy of Lysosomal Disorders, University of Padova and Women's Health and Genetics/Laboratory Corporation of America, LabCorp); PubMed 32993725 (cited by Laboratory of Diagnosis and Therapy of Lysosomal Disorders, University of Padova); PubMed 7633425 (cited by Laboratory of Diagnosis and Therapy of Lysosomal Disorders, University of Padova); PubMed 34387910 (cited by Laboratory of Diagnosis and Therapy of Lysosomal Disorders, University of Padova); PubMed 25501214 (cited by Women's Health and Genetics/Laboratory Corporation of America, LabCorp); PubMed 25252036 (cited by Women's Health and Genetics/Laboratory Corporation of America, LabCorp).